The following is an entry in ClinVar:

NM_000548.5(TSC2):c.4569+10G>C

Gene: TSC2 (TSC complex subunit 2; plus strand). Cytogenetic location: 16p13.3.
Variant type: single nucleotide variant.
Coding change: c.4569+10G>C on transcript NM_000548.5 (MANE Select); 10 bases into the intron after coding-DNA position 4569, G replaced by C.
Molecular consequence: intron variant.
Genome position (GRCh38, 1-based): chr16:2,085,036, G>C. VCF-style: chr16-2085036-G-C. GRCh37 (hg19) VCF-style: chr16-2135037-G-C.
Other names: c.3027+10G>C (NM_001406693.1, NM_001406692.1, NM_001406694.1); c.4461+10G>C (NM_001406667.1); c.4458+10G>C (NM_001406668.1); c.3969+10G>C (NM_001406680.1); c.3900+10G>C (NM_001406683.1, NM_001406682.1); c.3768+10G>C (NM_001406687.1, NM_001406688.1); c.3156+10G>C (NM_001406689.1); c.3096+10G>C (NM_001406690.1); and 26 more.
Identifiers: ClinVar variation 3702091 (VCV003702091.3).

ClinVar aggregate classification (germline): Likely benign. Review status: criteria provided, multiple submitters, no conflicts (2 of 4 stars). 2 submissions from 2 submitters: Likely benign (2). Last evaluated 2026-01-06.

Conditions:
Tuberous sclerosis 2 (TSC2). Identifiers: Orphanet 805, MedGen C1860707, MONDO:0013199, OMIM 613254.

Submissions (2):

Labcorp Genetics (formerly Invitae), Labcorp
Classification: Likely benign for Tuberous sclerosis 2. Last evaluated: 2026-01-06. Review status: criteria provided, single submitter. Criteria: Invitae Variant Classification Sherloc (09022015). Collection method: clinical testing. Allele origin: germline.

Myriad Genetics, Inc.
Classification: Likely benign for Tuberous sclerosis 2. Last evaluated: 2025-06-04. Review status: criteria provided, single submitter. Criteria: Myriad Autosomal Dominant, Autosomal Recessive and X-Linked Classification Criteria (2023). Collection method: clinical testing. Allele origin: unknown.
Comment: This variant is considered likely benign. This variant is intronic and is not expected to impact mRNA splicing.